The following is an entry in ClinVar:

ClinVar aggregate classification (germline): Likely pathogenic (1 of 4 stars; one submission).

Allele frequency attached by ClinVar (database versions not stated): gnomAD exomes below 0.00001.

Submission:

Labcorp Genetics (formerly Invitae), Labcorp
Classification: Likely pathogenic. Last evaluated: 2023-08-25. Review status: criteria provided, single submitter. Criteria: Invitae Variant Classification Sherloc (09022015). Collection method: clinical testing. Allele origin: germline.
Comment: This variant has not been reported in the literature in individuals affected with MUT-related conditions. Advanced modeling of protein sequence and biophysical properties (such as structural, functional, and spatial information, amino acid conservation, physicochemical variation, residue mobility, and thermodynamic stability) performed at Invitae indicates that this missense variant is expected to disrupt MUT protein function. This variant disrupts the p.Val153 amino acid residue in MUT. Other variant(s) that disrupt this residue have been determined to be pathogenic (PMID: 19862841, 32754920). This suggests that this residue is clinically significant, and that variants that disrupt this residue are likely to be disease-causing. In summary, the currently available evidence indicates that the variant is pathogenic, but additional data are needed to prove that conclusively. Therefore, this variant has been classified as Likely Pathogenic. This variant is present in population databases (no rsID available, gnomAD 0.006%). This sequence change replaces valine, which is neutral and non-polar, with isoleucine, which is neutral and non-polar, at codon 153 of the MUT protein (p.Val153Ile).

Literature cited by the submitters: PubMed 19862841; PubMed 32754920.

NM_000255.4(MMUT):c.457G>A (p.Val153Ile)

Gene: MMUT (methylmalonyl-CoA mutase; minus strand). Cytogenetic location: 6p12.3.
Variant type: single nucleotide variant.
Coding change: c.457G>A on transcript NM_000255.4 (MANE Select); coding-DNA position 457, G replaced by A.
Protein change: p.Val153Ile; replaces valine 153 with isoleucine.
Molecular consequence: missense variant.
Genome position (GRCh38, 1-based): chr6:49,457,987, C>T on the plus strand (G>A on the coding strand, the complement: MMUT is on the minus strand). VCF-style: chr6-49457987-C-T. GRCh37 (hg19) VCF-style: chr6-49425700-C-T.
Other names: short protein forms V153I.
Identifiers: ClinVar variation 2793080 (VCV002793080.3), dbSNP rs1467959226, ClinGen allele CA364404689.